The following is an entry in ClinVar:

ClinVar aggregate classification (germline): Uncertain significance (1 of 4 stars; one submission).

gnomAD v4.1: 4 of 1,211,526 alleles (0.00033%); highest among the groups gnomAD compares: Non-Finnish European, 0.00034%; no homozygotes.

Submission:

GeneDx
Classification: Uncertain significance. Last evaluated: 2023-12-11. Review status: criteria provided, single submitter. Criteria: GeneDx Variant Classification Process June 2021. Collection method: clinical testing. Allele origin: germline. Affected: yes.
Comment: Not observed at significant frequency in large population cohorts (gnomAD); In silico analysis supports that this missense variant does not alter protein structure/function; Has not been previously published as pathogenic or benign to our knowledge

NM_000489.6(ATRX):c.7408C>T (p.Pro2470Ser)

Gene: ATRX (ATRX chromatin remodeler; minus strand). Cytogenetic location: Xq21.1.
Variant type: single nucleotide variant.
Coding change: c.7408C>T on transcript NM_000489.6 (MANE Select); coding-DNA position 7408, C replaced by T.
Protein change: p.Pro2470Ser; replaces proline 2470 with serine.
Molecular consequence: missense variant.
Genome position (GRCh38, 1-based): chrX:77,508,422, G>A on the plus strand (C>T on the coding strand, the complement: ATRX is on the minus strand). VCF-style: chrX-77508422-G-A. GRCh37 (hg19) VCF-style: chrX-76763900-G-A.
Other names: c.7294C>T, p.Pro2432Ser (NM_138270.5); short protein forms P2432S, P2470S.
Identifiers: ClinVar variation 3365382 (VCV003365382.1).